The following is an entry in ClinVar:

NM_017714.3(TASP1):c.199C>T (p.Arg67Ter)

Gene: TASP1 (taspase 1; minus strand). Cytogenetic location: 20p12.1.
Variant type: single nucleotide variant.
Coding change: c.199C>T on transcript NM_017714.3 (MANE Select); coding-DNA position 199, C replaced by T.
Protein change: p.Arg67Ter; replaces arginine 67 with a stop codon.
Molecular consequence: nonsense. On other transcripts: 5 prime UTR variant (2), non-coding transcript variant (4).
Genome position (GRCh38, 1-based): chr20:13,625,199, G>A on the plus strand (C>T on the coding strand, the complement: TASP1 is on the minus strand). VCF-style: chr20-13625199-G-A. GRCh37 (hg19) VCF-style: chr20-13605846-G-A.
Other names: c.199C>T, p.Arg67Ter (NM_001323602.2); c.-375C>T (NM_001323603.2); c.-183C>T (NM_001323604.2); short protein forms R67*.
Identifiers: ClinVar variation 633609 (VCV000633609.6), dbSNP rs1200336864, ClinGen allele CA408290579.

ClinVar aggregate classification (germline): Pathogenic. Review status: criteria provided, single submitter (1 of 4 stars). 2 submissions from 2 submitters: Pathogenic (1). 1 of the submissions does not count toward it. Last evaluated 2026-04-02.

Conditions:
Suleiman-El-Hattab syndrome. Identifiers: MedGen C5436458, MONDO:0033532, OMIM 618950.

Allele frequency attached by ClinVar (database versions not stated): gnomAD exomes below 0.00001.

Submissions (3):

GeneDx
Classification: Pathogenic. Last evaluated: 2026-04-02. Review status: criteria provided, single submitter. Criteria: GeneDx Variant Classification Process June 2021. Collection method: clinical testing. Allele origin: germline.
Comment: Nonsense variant predicted to result in protein truncation or nonsense mediated decay in a gene for which loss of function is a known mechanism of disease; Not observed at significant frequency in large population cohorts (gnomAD); This variant is associated with the following publications: (PMID: 31209944, 35512351)

OMIM
Classification: Pathogenic for SULEIMAN-EL-HATTAB SYNDROME. Last evaluated: 2020-07-28. Review status: no assertion criteria provided. Collection method: literature only. Allele origin: germline. Not counted in ClinVar's aggregate classification.

Institute of Human Genetics Munich, TUM University Hospital
No classification provided (evidence only). Condition: Global developmental delay. Last evaluated: 2019-06-05. Review status: no classification provided. Criteria: Classification criteria August 2017. Collection method: in vivo. Allele origin: not applicable. Inheritance: Autosomal recessive inheritance. Functional consequence: loss_of_function_variant. Not counted in ClinVar's aggregate classification.
Comment: "Pathogenic" was previously submitted as the classification for the variant. However, the classification appeared to be based only on an observation of functional data so it was converted to no classification on 2025-07-30.

Literature cited by the submitters: PubMed 31209944 (cited by OMIM).